The following is an entry in ClinVar:

NM_001190787.3(MCIDAS):c.268G>A (p.Gly90Arg)

Gene: MCIDAS (multiciliate differentiation and DNA synthesis associated cell cycle protein; minus strand). Cytogenetic location: 5q11.2.
Variant type: single nucleotide variant.
Coding change: c.268G>A on transcript NM_001190787.3 (MANE Select); coding-DNA position 268, G replaced by A.
Protein change: p.Gly90Arg; replaces glycine 90 with arginine.
Molecular consequence: missense variant.
Genome position (GRCh38, 1-based): chr5:55,226,617, C>T on the plus strand (G>A on the coding strand, the complement: MCIDAS is on the minus strand). VCF-style: chr5-55226617-C-T. GRCh37 (hg19) VCF-style: chr5-54522445-C-T.
Other names: short protein forms G90R.
Identifiers: ClinVar variation 2166226 (VCV002166226.4), dbSNP rs1251186024, ClinGen allele CA359733840.

ClinVar aggregate classification (germline): Uncertain significance (1 of 4 stars; one submission).

Conditions:
Primary ciliary dyskinesia. Also called: Ciliary dyskinesia. Identifiers: Orphanet 244, MedGen C0008780, MONDO:0016575, HP:0012265.

Allele frequency attached by ClinVar (database versions not stated): gnomAD 0.00001.
gnomAD v4.1: 4 of 1,532,374 alleles (0.00026%); highest among the groups gnomAD compares: Middle Eastern, 0.017%; no homozygotes.

Submission:

Labcorp Genetics (formerly Invitae), Labcorp
Classification: Uncertain significance for Primary ciliary dyskinesia. Last evaluated: 2022-02-03. Review status: criteria provided, single submitter. Criteria: Invitae Variant Classification Sherloc (09022015). Collection method: clinical testing. Allele origin: germline.
Comment: In summary, the available evidence is currently insufficient to determine the role of this variant in disease. Therefore, it has been classified as a Variant of Uncertain Significance. Algorithms developed to predict the effect of sequence changes on RNA splicing suggest that this variant may create or strengthen a splice site. Algorithms developed to predict the effect of missense changes on protein structure and function output the following: SIFT: "Deleterious"; PolyPhen-2: "Benign"; Align-GVGD: "Class C0". The arginine amino acid residue is found in multiple mammalian species, which suggests that this missense change does not adversely affect protein function. This variant has not been reported in the literature in individuals affected with MCIDAS-related conditions. This variant is present in population databases (no rsID available, gnomAD 0.01%). This sequence change replaces glycine, which is neutral and non-polar, with arginine, which is basic and polar, at codon 90 of the MCIDAS protein (p.Gly90Arg).